The following is an entry in ClinVar:

NM_000093.5(COL5A1):c.1831C>G (p.Arg611Gly)

Gene: COL5A1 (collagen type V alpha 1 chain; plus strand). Cytogenetic location: 9q34.3.
Variant type: single nucleotide variant.
Coding change: c.1831C>G on transcript NM_000093.5 (MANE Select); coding-DNA position 1831, C replaced by G.
Protein change: p.Arg611Gly; replaces arginine 611 with glycine.
Molecular consequence: missense variant.
Genome position (GRCh38, 1-based): chr9:134,756,768, C>G. VCF-style: chr9-134756768-C-G. GRCh37 (hg19) VCF-style: chr9-137648614-C-G.
Other names: c.1831C>G, p.Arg611Gly (NM_001278074.1); short protein forms R611G.
Identifiers: ClinVar variation 4765887 (VCV004765887.1).
Genomic context (GRCh38, chr9:134,756,768, plus strand): 5'-GGGGTCTCAGTGAACCGGGGCTCTTTTGCATTGACGGTTTTGCCTCCTTTGTTCCAGGGT[C>G]GGGCTGGGAGTGATGGAGCCAGAGGAATGCCTGGACAAACTGGCCCCAAGGTAGGTCACC-3'
Protein context (NP_000084.3, residues 601-621): GPAGKPGRRG[Arg611Gly]AGSDGARGMP

ClinVar aggregate classification (germline): Uncertain significance (1 of 4 stars; one submission).

Conditions:
Ehlers-Danlos syndrome, classic type, 1 (EDSCL1). Also called: EHLERS-DANLOS SYNDROME, GRAVIS TYPE; EHLERS-DANLOS SYNDROME, SEVERE CLASSIC TYPE; Ehlers-Danlos syndrome, type 1; Ehlers-Danlos Syndrome, Classic Type, COL5A1-Related; EDS I. Identifiers: MedGen C0268335, MONDO:0019567, OMIM 130000.

gnomAD v4.1: 2 of 1,613,974 alleles (0.00012%); highest among the groups gnomAD compares: Non-Finnish European, 0.00017%; no homozygotes.

Submission:

Labcorp Genetics (formerly Invitae), Labcorp
Classification: Uncertain significance for Ehlers-Danlos syndrome, classic type, 1. Last evaluated: 2025-11-16. Review status: criteria provided, single submitter. Criteria: Invitae Variant Classification Sherloc (09022015). Collection method: clinical testing. Allele origin: germline.
Comment: This sequence change replaces arginine, which is basic and polar, with glycine, which is neutral and non-polar, at codon 611 of the COL5A1 protein (p.Arg611Gly). This variant is not present in population databases (gnomAD no frequency). This variant has not been reported in the literature in individuals affected with COL5A1-related conditions. Invitae Evidence Modeling of protein sequence and biophysical properties (such as structural, functional, and spatial information, amino acid conservation, physicochemical variation, residue mobility, and thermodynamic stability) has been performed for this missense variant. However, the output from this modeling did not meet the statistical confidence thresholds required to predict the impact of this variant on COL5A1 protein function. In summary, the available evidence is currently insufficient to determine the role of this variant in disease. Therefore, it has been classified as a Variant of Uncertain Significance.